The following is an entry in ClinVar:

ClinVar aggregate classification (germline): Uncertain significance (1 of 4 stars; one submission).

Allele frequency attached by ClinVar (database versions not stated): ExAC 0.00001; gnomAD exomes 0.00001; TOPMed 0.00001.

Submission:

Labcorp Genetics (formerly Invitae), Labcorp
Classification: Uncertain significance. Last evaluated: 2021-10-04. Review status: criteria provided, single submitter. Criteria: Invitae Variant Classification Sherloc (09022015). Collection method: clinical testing. Allele origin: germline.
Comment: This sequence change replaces threonine with asparagine at codon 779 of the SORL1 protein (p.Thr779Asn). The threonine residue is moderately conserved and there is a small physicochemical difference between threonine and asparagine. This variant is present in population databases (rs777605713, ExAC 0.009%). This variant has not been reported in the literature in individuals affected with SORL1-related conditions. Algorithms developed to predict the effect of missense changes on protein structure and function (SIFT, PolyPhen-2, Align-GVGD) all suggest that this variant is likely to be tolerated. In summary, the available evidence is currently insufficient to determine the role of this variant in disease. Therefore, it has been classified as a Variant of Uncertain Significance.

NM_003105.6(SORL1):c.2336C>A (p.Thr779Asn)

Genes: SORL1 (sortilin related receptor 1; plus strand), LOC114803469 (SORL1 eExon liver enhancer; plus strand). Cytogenetic location: 11q24.1.
Variant type: single nucleotide variant.
Coding change: c.2336C>A on transcript NM_003105.6 (MANE Select); coding-DNA position 2336, C replaced by A.
Protein change: p.Thr779Asn; replaces threonine 779 with asparagine.
Molecular consequence: missense variant.
Genome position (GRCh38, 1-based): chr11:121,554,006, C>A. VCF-style: chr11-121554006-C-A. GRCh37 (hg19) VCF-style: chr11-121424715-C-A.
Other names: short protein forms T779N.
Identifiers: ClinVar variation 1371330 (VCV001371330.6), dbSNP rs777605713, ClinGen allele CA6328913.